The following is an entry in ClinVar:

NM_004385.5(VCAN):c.3778C>G (p.Pro1260Ala)

Gene: VCAN (versican; plus strand). Cytogenetic location: 5q14.3.
Variant type: single nucleotide variant.
Coding change: c.3778C>G on transcript NM_004385.5 (MANE Select); coding-DNA position 3778, C replaced by G.
Protein change: p.Pro1260Ala; replaces proline 1260 with alanine.
Molecular consequence: missense variant. On other transcripts: intron variant (2).
Genome position (GRCh38, 1-based): chr5:83,522,084, C>G. VCF-style: chr5-83522084-C-G. GRCh37 (hg19) VCF-style: chr5-82817903-C-G.
Other names: c.1042+9688C>G (NM_001126336.3, NM_001164097.2); c.3778C>G, p.Pro1260Ala (NM_001164098.2); short protein forms P1260A.
Identifiers: ClinVar variation 3683590 (VCV003683590.2).

ClinVar aggregate classification (germline): Uncertain significance (1 of 4 stars; one submission).

gnomAD v4.1: 6 of 1,614,192 alleles (0.00037%); highest among the groups gnomAD compares: Admixed American, 0.005%; no homozygotes.

Submission:

Labcorp Genetics (formerly Invitae), Labcorp
Classification: Uncertain significance. Last evaluated: 2024-06-06. Review status: criteria provided, single submitter. Criteria: Invitae Variant Classification Sherloc (09022015). Collection method: clinical testing. Allele origin: germline.
Comment: This sequence change replaces proline, which is neutral and non-polar, with alanine, which is neutral and non-polar, at codon 1260 of the VCAN protein (p.Pro1260Ala). This variant is present in population databases (rs781404661, gnomAD 0.006%). This variant has not been reported in the literature in individuals affected with VCAN-related conditions. An algorithm developed to predict the effect of missense changes on protein structure and function (PolyPhen-2) suggests that this variant is likely to be tolerated. In summary, the available evidence is currently insufficient to determine the role of this variant in disease. Therefore, it has been classified as a Variant of Uncertain Significance.